The following is an entry in ClinVar:

NM_004006.3(DMD):c.1262A>C (p.Gln421Pro)

Gene: DMD (dystrophin; minus strand). Cytogenetic location: Xp21.1.
Variant type: single nucleotide variant.
Coding change: c.1262A>C on transcript NM_004006.3 (MANE Select); coding-DNA position 1262, A replaced by C.
Protein change: p.Gln421Pro; replaces glutamine 421 with proline.
Molecular consequence: missense variant.
Genome position (GRCh38, 1-based): chrX:32,644,201, T>G on the plus strand (A>C on the coding strand, the complement: DMD is on the minus strand). VCF-style: chrX-32644201-T-G. GRCh37 (hg19) VCF-style: chrX-32662318-T-G.
Other names: c.1238A>C, p.Gln413Pro (NM_000109.4); c.1250A>C, p.Gln417Pro (NM_004009.3); c.893A>C, p.Gln298Pro (NM_004010.3); short protein forms Q298P, Q413P, Q417P, Q421P.
Identifiers: ClinVar variation 2731324 (VCV002731324.4), dbSNP rs2519633444, ClinGen allele CA412661050.

ClinVar aggregate classification (germline): Uncertain significance. Review status: criteria provided, multiple submitters, no conflicts (2 of 4 stars). 2 submissions from 2 submitters: Uncertain significance (2). Last evaluated 2026-07-11.

Conditions:
Duchenne muscular dystrophy (DMD). Also called: MUSCULAR DYSTROPHY, PSEUDOHYPERTROPHIC PROGRESSIVE, DUCHENNE TYPE; Duchenne Muscular Dystrophy (DMD). Identifiers: Orphanet 98896, MedGen C0013264, MONDO:0010679, OMIM 310200.
Cardiovascular phenotype. Identifiers: MedGen CN230736.

Submissions (2):

Ambry Genetics
Classification: Uncertain significance for Cardiovascular phenotype. Last evaluated: 2026-07-11. Review status: criteria provided, single submitter. Criteria: Ambry Variant Classification Scheme 2023. Collection method: clinical testing. Allele origin: germline.
Comment: The p.Q421P variant (also known as c.1262A>C), located in coding exon 11 of the DMD gene, results from an A to C substitution at nucleotide position 1262. The glutamine at codon 421 is replaced by proline, an amino acid with similar properties. This amino acid position is conserved. In addition, this alteration is predicted to be tolerated by in silico analysis. Based on the available evidence, the clinical significance of this variant remains unclear.

Labcorp Genetics (formerly Invitae), Labcorp
Classification: Uncertain significance for Duchenne muscular dystrophy. Last evaluated: 2023-12-30. Review status: criteria provided, single submitter. Criteria: Invitae Variant Classification Sherloc (09022015). Collection method: clinical testing. Allele origin: germline.
Comment: This sequence change replaces glutamine, which is neutral and polar, with proline, which is neutral and non-polar, at codon 421 of the DMD protein (p.Gln421Pro). This variant is not present in population databases (gnomAD no frequency). This variant has not been reported in the literature in individuals affected with DMD-related conditions. Advanced modeling of protein sequence and biophysical properties (such as structural, functional, and spatial information, amino acid conservation, physicochemical variation, residue mobility, and thermodynamic stability) performed at Invitae indicates that this missense variant is not expected to disrupt DMD protein function with a negative predictive value of 95%. In summary, the available evidence is currently insufficient to determine the role of this variant in disease. Therefore, it has been classified as a Variant of Uncertain Significance.